The following is an entry in ClinVar:

NM_001165963.4(SCN1A):c.449dup (p.Pro151fs)

Gene: SCN1A (sodium voltage-gated channel alpha subunit 1; minus strand). Cytogenetic location: 2q24.3.
Variant type: Duplication.
Coding change: c.449dup on transcript NM_001165963.4 (MANE Select); coding-DNA position 449, one base duplicated (C; older notation c.449dupC).
Protein change: p.Pro151fs; shifts the reading frame from proline 151.
Molecular consequence: frameshift variant. On other transcripts: 5 prime UTR variant (1), non-coding transcript variant (1).
Genome position (GRCh38, 1-based): chr2:166,056,435, G duplicated on the plus strand (C on the coding strand, the reverse complement: SCN1A is on the minus strand); the first of 3 consecutive G bases (chr2:166,056,435-166,056,437); duplicating any one gives the same sequence. VCF-style (leftmost placement, unchanged base first): chr2-166056434-A-AG. GRCh37 (hg19) VCF-style: chr2-166912944-A-AG.
Other names: c.449dup, p.Pro151fs (NM_001165964.3, NM_001202435.3, NM_006920.6 and 10 more transcripts); c.-1977dup (NM_001353961.2); short protein forms P151fs.
Identifiers: ClinVar variation 2704697 (VCV002704697.3), dbSNP rs2468258318, ClinGen allele CA2697551260.
Genomic context (GRCh38, chr2:166,056,434, plus strand): 5'-ATGTATATATGTTATTAAAAATATAAGTTGAACTTACTCTACATTCTTTGTCCAATCAGG[A>AG]GGGTTACTCATTGTCATAAACACACAGTTTGTCAAAATAGTGCACATAATTAGCATGCTG-3'

ClinVar aggregate classification (germline): Pathogenic (1 of 4 stars; one submission).

Conditions:
Early-infantile DEE. Also called: Ohtahara syndrome; Early infantile epileptic encephalopathy with suppression bursts; Early infantile epileptic encephalopathy. Identifiers: Orphanet 1934, MedGen C0393706, MONDO:0800491.

Submission:

Labcorp Genetics (formerly Invitae), Labcorp
Classification: Pathogenic for Early-infantile DEE. Last evaluated: 2023-12-21. Review status: criteria provided, single submitter. Criteria: Invitae Variant Classification Sherloc (09022015). Collection method: clinical testing. Allele origin: germline.
Comment: This sequence change creates a premature translational stop signal (p.Pro151Serfs*2) in the SCN1A gene. It is expected to result in an absent or disrupted protein product. Loss-of-function variants in SCN1A are known to be pathogenic (PMID: 17347258, 18930999). This variant is not present in population databases (gnomAD no frequency). This variant has not been reported in the literature in individuals affected with SCN1A-related conditions. For these reasons, this variant has been classified as Pathogenic.

Literature cited by the submitters: PubMed 17347258; PubMed 18930999.